The following is an entry in ClinVar:

NM_001360.3(DHCR7):c.1210C>A (p.Arg404Ser)

Gene: DHCR7 (7-dehydrocholesterol reductase; minus strand). Cytogenetic location: 11q13.4.
Variant type: single nucleotide variant.
Coding change: c.1210C>A on transcript NM_001360.3 (MANE Select); coding-DNA position 1210, C replaced by A.
Protein change: p.Arg404Ser; replaces arginine 404 with serine.
Molecular consequence: missense variant.
Genome position (GRCh38, 1-based): chr11:71,435,593, G>T on the plus strand (C>A on the coding strand, the complement: DHCR7 is on the minus strand). VCF-style: chr11-71435593-G-T. GRCh37 (hg19) VCF-style: chr11-71146639-G-T.
Other names: c.1210C>A, p.Arg404Ser (NM_001163817.2); short protein forms R404S.
Identifiers: ClinVar variation 552797 (VCV000552797.8), dbSNP rs61757582, ClinGen allele CA381701470.

ClinVar aggregate classification (germline): Likely pathogenic. Review status: criteria provided, multiple submitters, no conflicts (2 of 4 stars). 5 submissions from 5 submitters: Likely pathogenic (4). 1 of the submissions does not count toward it. Last evaluated 2024-12-27.

Conditions:
Smith-Lemli-Opitz syndrome (SLOS). Also called: LETHAL ACRODYSGENITAL SYNDROME; POLYDACTYLY, SEX REVERSAL, RENAL HYPOPLASIA, AND UNILOBAR LUNG; RSH SYNDROME; RUTLEDGE LETHAL MULTIPLE CONGENITAL ANOMALY SYNDROME; 7-Dehydrocholesterol reductase deficiency. Identifiers: Orphanet 818, MedGen C0175694, MONDO:0010035, OMIM 270400.

Allele frequency attached by ClinVar (database versions not stated): TOPMed 0.00001.
gnomAD v4.1: 9 of 1,609,664 alleles (0.00056%); highest among the groups gnomAD compares: Non-Finnish European, 0.00076%; no homozygotes.

Submissions (5):

Natera, Inc.
Classification: Likely pathogenic for Smith-Lemli-Opitz syndrome. Last evaluated: 2024-12-27. Review status: criteria provided, single submitter. Criteria: Natera Variant Classification Schema (03/2026). Collection method: clinical testing. Allele origin: germline.
Comment: The c.1210C>A variant in DHCR7 is a missense variant predicted to cause substitution of arginine to serine at amino acid 404. This variant is rare in the general population with a frequency below the threshold expected for the associated phenotype(s). This variant has been observed in one or more individuals affected with the associated recessive disease, as either homozygous or compound heterozygous with a second variant (PMID: 10814720). A different variant at the same position has been determined to be Pathogenic or Likely Pathogenic. Computational prediction algorithms indicate this variant is likely to affect gene or protein function. Given the available evidence, this variant is classified as Likely Pathogenic.

Fulgent Genetics
Classification: Likely pathogenic for Smith-Lemli-Opitz syndrome. Last evaluated: 2024-06-06. Review status: criteria provided, single submitter. Criteria: ACMG Guidelines, 2015. Collection method: clinical testing. Allele origin: germline.

Women's Health and Genetics/Laboratory Corporation of America, LabCorp
Classification: Likely pathogenic for Smith-Lemli-Opitz syndrome. Last evaluated: 2024-06-05. Review status: criteria provided, single submitter. Criteria: LabCorp Variant Classification Summary - May 2015. Collection method: clinical testing. Allele origin: germline.
Comment: Variant summary: DHCR7 c.1210C>A (p.Arg404Ser) results in a non-conservative amino acid change in the encoded protein sequence. Five of five in-silico tools predict a damaging effect of the variant on protein function. The variant allele was found at a frequency of 4.1e-06 in 241396 control chromosomes. c.1210C>A has been reported in the literature in individuals affected with Smith-Lemli-Opitz Syndrome (e.g. Witsch-Baumgartner_2000, Yu_2000, Zaidi_2021). These data indicate that the variant may be associated with disease. A different variant affecting the same codon has been classified as pathogenic by our lab (c.1210C>T, p.Arg404Cys), supporting the critical relevance of codon 404 to DHCR7 protein function. To our knowledge, no experimental evidence demonstrating an impact on protein function has been reported. ClinVar contains an entry for this variant (Variation ID: 552797). Based on the evidence outlined above, the variant was classified as likely pathogenic.

Labcorp Genetics (formerly Invitae), Labcorp
Classification: Likely pathogenic for Smith-Lemli-Opitz syndrome. Last evaluated: 2022-11-01. Review status: criteria provided, single submitter. Criteria: Invitae Variant Classification Sherloc (09022015). Collection method: clinical testing. Allele origin: germline.
Comment: In summary, the currently available evidence indicates that the variant is pathogenic, but additional data are needed to prove that conclusively. Therefore, this variant has been classified as Likely Pathogenic. This variant disrupts the p.Arg404 amino acid residue in DHCR7. Other variant(s) that disrupt this residue have been determined to be pathogenic (PMID: 9653161, 10677299, 12818773, 15896653). This suggests that this residue is clinically significant, and that variants that disrupt this residue are likely to be disease-causing. Advanced modeling of protein sequence and biophysical properties (such as structural, functional, and spatial information, amino acid conservation, physicochemical variation, residue mobility, and thermodynamic stability) performed at Invitae indicates that this missense variant is expected to disrupt DHCR7 protein function. ClinVar contains an entry for this variant (Variation ID: 552797). This missense change has been observed in individual(s) with clinical features of DHCR7-related conditions (PMID: 10677299, 10814720, 33578785). This variant is present in population databases (no rsID available, gnomAD 0.0009%). This sequence change replaces arginine, which is basic and polar, with serine, which is neutral and polar, at codon 404 of the DHCR7 protein (p.Arg404Ser).

Counsyl
Classification: Uncertain significance for Smith-Lemli-Opitz syndrome. Last evaluated: 2017-07-07. Review status: no assertion criteria provided. Collection method: clinical testing. Allele origin: unknown. Not counted in ClinVar's aggregate classification.

Literature cited by the submitters: PubMed 10814720 (cited by 4 submitters); PubMed 10677299 (cited by 3 submitters); PubMed 33578785 (cited by Women's Health and Genetics/Laboratory Corporation of America, LabCorp and Labcorp Genetics (formerly Invitae), Labcorp); PubMed 9653161 (cited by Labcorp Genetics (formerly Invitae), Labcorp); PubMed 12818773 (cited by Labcorp Genetics (formerly Invitae), Labcorp); PubMed 15896653 (cited by Labcorp Genetics (formerly Invitae), Labcorp).